The following is an entry in ClinVar:

NM_017739.4(POMGNT1):c.290G>A (p.Arg97Gln)

Gene: POMGNT1 (protein O-linked mannose N-acetylglucosaminyltransferase 1 (beta 1,2-); minus strand). Cytogenetic location: 1p34.1.
Variant type: single nucleotide variant.
Coding change: c.290G>A on transcript NM_017739.4 (MANE Select); coding-DNA position 290, G replaced by A.
Protein change: p.Arg97Gln; replaces arginine 97 with glutamine.
Molecular consequence: missense variant. On other transcripts: 5 prime UTR variant (1).
Genome position (GRCh38, 1-based): chr1:46,196,795, C>T on the plus strand (G>A on the coding strand, the complement: POMGNT1 is on the minus strand). VCF-style: chr1-46196795-C-T. GRCh37 (hg19) VCF-style: chr1-46662467-C-T.
Other names: c.290G>A, p.Arg97Gln (NM_001243766.2, NM_001410783.1); c.224G>A, p.Arg75Gln (NM_001290129.3); c.-140G>A (NM_001290130.2); short protein forms R75Q, R97Q.
Identifiers: ClinVar variation 1318508 (VCV001318508.2), dbSNP rs772757476, ClinGen allele CA833794.

ClinVar aggregate classification (germline): Uncertain significance (1 of 4 stars; one submission).

Allele frequency attached by ClinVar (database versions not stated): gnomAD exomes below 0.00001 and 0.00001; ExAC 0.00001.
gnomAD v4.1: 10 of 1,614,206 alleles (0.00062%); highest among the groups gnomAD compares: Middle Eastern, 0.016%; no homozygotes.

Submission:

GeneDx
Classification: Uncertain significance. Last evaluated: 2019-04-02. Review status: criteria provided, single submitter. Criteria: GeneDx Variant Classification Process June 2021. Collection method: clinical testing. Allele origin: germline. Affected: yes.
Comment: Not observed at a significant frequency in large population cohorts (Lek et al., 2016); In silico analysis, which includes protein predictors and evolutionary conservation, supports that this variant does not alter protein structure/function; Has not been previously published as pathogenic or benign to our knowledge